The following is an entry in ClinVar:

ClinVar aggregate classification (germline): Pathogenic (1 of 4 stars; one submission).

Conditions:
PAX6-related disorder. Also called: PAX6-related disorders; PAX6-related condition.

Submission:

Women's Health and Genetics/Laboratory Corporation of America, LabCorp
Classification: Pathogenic for PAX6-Related Disorders. Last evaluated: 2025-06-13. Review status: criteria provided, single submitter. Criteria: LabCorp Variant Classification Summary - May 2015. Collection method: clinical testing. Allele origin: germline.
Comment: Variant summary: The variant involves the deletion of exons 1-13 in the PAX6 gene. A presumed nomenclature of c.(?_-525)_(*909_?)del has been designated for the purposes of this classification. This deletion includes the entire coding sequence of the gene. As the exact proximal and distal breakpoints are unknown, it may extend beyond the annotated region of the gene to include other flanking genes. Similar deletions were absent in the gnomAD structural variant database. To our knowledge, deletion of PAX6 in isolation has not been reported, however deletions encompassing the entirety of PAX6 and spanning additional flanking gene(s) have been reported in numerous individuals with aniridia (PMID: 27124303). ClinVar contains an entry for this variant (Variation ID: 3244582). Based on the evidence outlined above, the variant was classified as pathogenic.

NC_000011.9:g.(?_31810573)_(31832871_?)del

Gene: PAX6 (paired box 6; minus strand). Cytogenetic location: 11p13.
Variant type: Deletion.
Identifiers: ClinVar variation 3907142 (VCV003907142.1).